The following is an entry in ClinVar:

ClinVar aggregate classification (germline): Pathogenic/Likely pathogenic. Review status: criteria provided, multiple submitters, no conflicts (2 of 4 stars). 3 submissions from 3 submitters: Pathogenic (2); Likely pathogenic (1). Last evaluated 2022-12-18.

Conditions:
Bethlem myopathy 1A. Also called: Bethlem Muscular Dystrophy; MYOPATHY, BENIGN CONGENITAL, WITH CONTRACTURES; Bethlem myopathy 1. Identifiers: Orphanet 610, MedGen CN029274, MONDO:0024530, OMIM 158810.

Submissions (3):

Labcorp Genetics (formerly Invitae), Labcorp
Classification: Pathogenic for Bethlem myopathy 1A. Last evaluated: 2022-12-18. Review status: criteria provided, single submitter. Criteria: Invitae Variant Classification Sherloc (09022015). Collection method: clinical testing. Allele origin: germline.
Comment: This variant has not been reported in the literature in individuals affected with COL6A1-related conditions. This sequence change creates a premature translational stop signal (p.Leu261Argfs*5) in the COL6A1 gene. It is expected to result in an absent or disrupted protein product. Loss-of-function variants in COL6A1 are known to be pathogenic (PMID: 19884007, 20976770). This variant is not present in population databases (gnomAD no frequency). For these reasons, this variant has been classified as Pathogenic.

Laboratorio de Genetica e Diagnostico Molecular, Hospital Israelita Albert Einstein
Classification: Likely pathogenic for Bethlem myopathy 1A. Last evaluated: 2022-04-08. Review status: criteria provided, single submitter. Criteria: ACMG Guidelines, 2015. Collection method: clinical testing. Allele origin: germline. Affected: yes. Observed: 1 variant allele.
Comment: ACMG classification criteria: PVS1 very strong, PM2 moderated

Eurofins Ntd Llc (ga)
Classification: Pathogenic. Last evaluated: 2016-02-16. Review status: criteria provided, single submitter. Criteria: EGL Classification Definitions 2015. Collection method: clinical testing. Allele origin: germline. Observed: 1 variant allele, 1 heterozygote.

Literature cited by the submitters: PubMed 19884007 (cited by Labcorp Genetics (formerly Invitae), Labcorp); PubMed 20976770 (cited by Labcorp Genetics (formerly Invitae), Labcorp).

NM_001848.3(COL6A1):c.782_789del (p.Leu261fs)

Gene: COL6A1 (collagen type VI alpha 1 chain; plus strand). Cytogenetic location: 21q22.3.
Variant type: Microsatellite.
Coding change: c.782_789del on transcript NM_001848.3 (MANE Select); coding-DNA positions 782 to 789, 8 bases deleted (TCCGGGGC; older notation c.782_789delTCCGGGGC).
Protein change: p.Leu261fs; shifts the reading frame from leucine 261.
Molecular consequence: frameshift variant.
Genome position (GRCh38, 1-based): chr21:45,987,632-45,987,639, TCCGGGGC deleted; deleting any 8 consecutive bases within chr21:45,987,623-45,987,639 gives the same sequence; the c. name uses the placement nearest the transcript's 3' end. VCF-style (leftmost placement, unchanged base first): chr21-45987622-CCTCCGGGG-C. GRCh37 (hg19) VCF-style: chr21-47407536-CCTCCGGGG-C.
Other names: short protein forms L261fs.
Identifiers: ClinVar variation 286267 (VCV000286267.9), dbSNP rs886043354, ClinGen allele CA10605422.